The following is an entry in ClinVar:

ClinVar aggregate classification (germline): Pathogenic (1 of 4 stars; one submission).

Submission:

Labcorp Genetics (formerly Invitae), Labcorp
Classification: Pathogenic. Last evaluated: 2022-11-01. Review status: criteria provided, single submitter. Criteria: Invitae Variant Classification Sherloc (09022015). Collection method: clinical testing. Allele origin: germline.
Comment: This variant has not been reported in the literature in individuals affected with CHM-related conditions. This variant is not present in population databases (gnomAD no frequency). This sequence change creates a premature translational stop signal (p.Lys328Asnfs*2) in the CHM gene. It is expected to result in an absent or disrupted protein product. Loss-of-function variants in CHM are known to be pathogenic (PMID: 9067750, 23811034). ClinVar contains an entry for this variant (Variation ID: 1072365). For these reasons, this variant has been classified as Pathogenic.

Literature cited by the submitters: PubMed 9067750; PubMed 23811034.

NM_000390.4(CHM):c.984del (p.Lys328fs)

Gene: CHM (CHM Rab escort protein; minus strand). Cytogenetic location: Xq21.2.
Variant type: Deletion.
Coding change: c.984del on transcript NM_000390.4 (MANE Select); coding-DNA position 984, one base deleted (A; older notation c.984delA).
Protein change: p.Lys328fs; shifts the reading frame from lysine 328.
Molecular consequence: frameshift variant.
Genome position (GRCh38, 1-based): chrX:85,956,335, T deleted on the plus strand (A on the coding strand, the reverse complement: CHM is on the minus strand); the first of 5 consecutive T bases (chrX:85,956,335-85,956,339); deleting any one gives the same sequence. VCF-style (leftmost placement, unchanged base first): chrX-85956334-AT-A. GRCh37 (hg19) VCF-style: chrX-85211339-AT-A.
Other names: c.540del, p.Lys180fs (NM_001320959.1, NM_001362517.1, NM_001362518.2 and 1 more transcripts); short protein forms K180fs, K328fs.
Identifiers: ClinVar variation 1072365 (VCV001072365.7), dbSNP rs2147663370, ClinGen allele CA2499226902.